The following is an entry in ClinVar:

NM_001080467.3(MYO5B):c.2232C>A (p.Thr744=)

Gene: MYO5B (myosin VB; minus strand). Cytogenetic location: 18q21.1.
Variant type: single nucleotide variant.
Coding change: c.2232C>A on transcript NM_001080467.3 (MANE Select); coding-DNA position 2232, C replaced by A.
Protein change: p.Thr744=; no amino-acid change (threonine 744 retained).
Molecular consequence: synonymous variant.
Genome position (GRCh38, 1-based): chr18:49,906,601, G>T on the plus strand (C>A on the coding strand, the complement: MYO5B is on the minus strand). VCF-style: chr18-49906601-G-T. GRCh37 (hg19) VCF-style: chr18-47432971-G-T.
Other names: c.2232C>A (NM_001080467.2).
Identifiers: ClinVar variation 2810467 (VCV002810467.5), dbSNP rs762769797, ClinGen allele CA8961148.
Genomic context (GRCh38, chr18:49,906,601, plus strand): 5'-GAACTTGTCAGCCCGCAGCTTCTCCAGGTAGGCCACCTGGCCTGCTCGAAAGAAGATCTT[G>T]GTGCGGCCAAACTGGAACTTGTCGGGGTCCTTTACAAGGTAGGGAGGGGATCTGGTTGGT-3'
Protein context (NP_001073936.1, residues 734-754): KDPDKFQFGR[Thr744=]KIFFRAGQVA

ClinVar aggregate classification (germline): Likely benign. Review status: criteria provided, single submitter (1 of 4 stars). 2 submissions from 2 submitters: Likely benign (1). 1 of the submissions does not count toward it. Last evaluated 2024-01-18.

Conditions:
MYO5B-related disorder. Also called: MYO5B-related condition.

Allele frequency attached by ClinVar (database versions not stated): ExAC 0.00001; gnomAD exomes 0.00002.
gnomAD v4.1: 23 of 1,614,076 alleles (0.0014%); highest among the groups gnomAD compares: Non-Finnish European, 0.0019%; no homozygotes.

Submissions (2):

Labcorp Genetics (formerly Invitae), Labcorp
Classification: Likely benign. Last evaluated: 2024-01-18. Review status: criteria provided, single submitter. Criteria: Invitae Variant Classification Sherloc (09022015). Collection method: clinical testing. Allele origin: germline.

PreventionGenetics, part of Exact Sciences
Classification: Likely benign for MYO5B-related condition. Last evaluated: 2020-02-19. Review status: no assertion criteria provided. Collection method: clinical testing. Allele origin: germline. Not counted in ClinVar's aggregate classification.
Comment: This variant is classified as likely benign based on ACMG/AMP sequence variant interpretation guidelines (Richards et al. 2015 PMID: 25741868, with internal and published modifications).